The following is an entry in ClinVar:

ClinVar aggregate classification (germline): Uncertain significance. Review status: criteria provided, multiple submitters, no conflicts (2 of 4 stars). 2 submissions from 2 submitters: Uncertain significance (2). Last evaluated 2025-08-31.

Conditions:
Inborn genetic diseases. Identifiers: MedGen C0950123, MeSH D030342.
Carnitine palmitoyl transferase 1A deficiency. Also called: Carnitine palmitoyltransferase 1A deficiency; Carnitine palmitoyltransferase type I deficiency; CPT I DEFICIENCY; CPT DEFICIENCY, HEPATIC, TYPE I; CPT deficiency, hepatic, type IA. Identifiers: Orphanet 156, MedGen C1829703, MONDO:0009705, OMIM 255120.

Submissions (2):

Ambry Genetics
Classification: Uncertain significance for Inborn genetic diseases. Last evaluated: 2025-08-31. Review status: criteria provided, single submitter. Criteria: Ambry Variant Classification Scheme 2023. Collection method: clinical testing. Allele origin: germline.

Labcorp Genetics (formerly Invitae), Labcorp
Classification: Uncertain significance for Carnitine palmitoyl transferase 1A deficiency. Last evaluated: 2022-08-13. Review status: criteria provided, single submitter. Criteria: Invitae Variant Classification Sherloc (09022015). Collection method: clinical testing. Allele origin: germline.
Comment: This sequence change replaces tyrosine, which is neutral and polar, with aspartic acid, which is acidic and polar, at codon 487 of the CPT1A protein (p.Tyr487Asp). This variant is not present in population databases (gnomAD no frequency). This variant has not been reported in the literature in individuals affected with CPT1A-related conditions. ClinVar contains an entry for this variant (Variation ID: 1516044). Algorithms developed to predict the effect of missense changes on protein structure and function (SIFT, PolyPhen-2, Align-GVGD) all suggest that this variant is likely to be tolerated. Algorithms developed to predict the effect of sequence changes on RNA splicing suggest that this variant may disrupt the consensus splice site. In summary, the available evidence is currently insufficient to determine the role of this variant in disease. Therefore, it has been classified as a Variant of Uncertain Significance.

NM_001876.4(CPT1A):c.1459T>G (p.Tyr487Asp)

Gene: CPT1A (carnitine palmitoyltransferase 1A; minus strand). Cytogenetic location: 11q13.3.
Variant type: single nucleotide variant.
Coding change: c.1459T>G on transcript NM_001876.4 (MANE Select); coding-DNA position 1459, T replaced by G.
Protein change: p.Tyr487Asp; replaces tyrosine 487 with aspartic acid.
Molecular consequence: missense variant.
Genome position (GRCh38, 1-based): chr11:68,775,432, A>C on the plus strand (T>G on the coding strand, the complement: CPT1A is on the minus strand). VCF-style: chr11-68775432-A-C. GRCh37 (hg19) VCF-style: chr11-68542900-A-C.
Other names: c.1459T>G (NM_001876.3); c.1459T>G, p.Tyr487Asp (NM_001031847.3); short protein forms Y487D.
Identifiers: ClinVar variation 1516044 (VCV001516044.4), dbSNP rs985269276, ClinGen allele CA223371829.